The following is an entry in ClinVar:

ClinVar aggregate classification (germline): Uncertain significance (1 of 4 stars; one submission).

Conditions:
Neuropathy, hereditary sensory and autonomic, type 2A (HSAN2A). Also called: ACROOSTEOLYSIS, GIACCAI TYPE; ACROOSTEOLYSIS, NEUROGENIC; MORVAN DISEASE; NEUROPATHY, CONGENITAL SENSORY; NEUROPATHY, HEREDITARY SENSORY RADICULAR, AUTOSOMAL RECESSIVE; NEUROPATHY, HEREDITARY SENSORY, TYPE IIA. Identifiers: Orphanet 970, MedGen C2752089, MONDO:0024309, OMIM 201300.
Pseudohypoaldosteronism type 2C (PHA2C). Also called: Pseudohypoaldosteronism Type IIC. Identifiers: Orphanet 757, Orphanet 88940, MedGen C1840391, MONDO:0013778, OMIM 614492.

gnomAD v4.1: 2 of 1,613,720 alleles (0.00012%); highest among the groups gnomAD compares: Non-Finnish European, 0.00017%; no homozygotes.

Submission:

Labcorp Genetics (formerly Invitae), Labcorp
Classification: Uncertain significance for Neuropathy, hereditary sensory and autonomic, type 2A; Pseudohypoaldosteronism type 2C. Last evaluated: 2025-02-26. Review status: criteria provided, single submitter. Criteria: Invitae Variant Classification Sherloc (09022015). Collection method: clinical testing. Allele origin: germline.
Comment: This sequence change replaces glycine, which is neutral and non-polar, with arginine, which is basic and polar, at codon 602 of the WNK1 protein (p.Gly602Arg). This variant is not present in population databases (gnomAD no frequency). This variant has not been reported in the literature in individuals affected with WNK1-related conditions. Invitae Evidence Modeling of protein sequence and biophysical properties (such as structural, functional, and spatial information, amino acid conservation, physicochemical variation, residue mobility, and thermodynamic stability) indicates that this missense variant is not expected to disrupt WNK1 protein function with a negative predictive value of 95%. In summary, the available evidence is currently insufficient to determine the role of this variant in disease. Therefore, it has been classified as a Variant of Uncertain Significance.

NM_018979.4(WNK1):c.1804G>A (p.Gly602Arg)

Gene: WNK1 (WNK lysine deficient protein kinase 1; plus strand). Cytogenetic location: 12p13.33.
Variant type: single nucleotide variant.
Coding change: c.1804G>A on transcript NM_018979.4 (MANE Select); coding-DNA position 1804, G replaced by A.
Protein change: p.Gly602Arg; replaces glycine 602 with arginine.
Molecular consequence: missense variant.
Genome position (GRCh38, 1-based): chr12:861,196, G>A. VCF-style: chr12-861196-G-A. GRCh37 (hg19) VCF-style: chr12-970362-G-A.
Other names: c.1804G>A, p.Gly602Arg (NM_001184985.2, NM_014823.3, NM_213655.5); short protein forms G602R.
Identifiers: ClinVar variation 3753825 (VCV003753825.2).